The following is an entry in ClinVar:

NM_000388.4(CASR):c.186-1G>C

Gene: CASR (calcium sensing receptor; plus strand). Cytogenetic location: 3q21.1.
Variant type: single nucleotide variant.
Coding change: c.186-1G>C on transcript NM_000388.4 (MANE Select); the canonical splice acceptor site of the intron before coding-DNA position 186, G replaced by C.
Molecular consequence: splice acceptor variant.
Genome position (GRCh38, 1-based): chr3:122,257,080, G>C. VCF-style: chr3-122257080-G-C. GRCh37 (hg19) VCF-style: chr3-121975927-G-C.
Other names: c.186-1G>C (NM_001178065.2).
Identifiers: ClinVar variation 2923881 (VCV002923881.3), dbSNP rs797044441, ClinGen allele CA354362333.

ClinVar aggregate classification (germline): Pathogenic (1 of 4 stars; one submission).

Conditions:
Familial hypocalciuric hypercalcemia (FHH). Also called: Familial benign hypercalcemia. Identifiers: Orphanet 405, MedGen C1809471, MONDO:0018458.
Autosomal dominant hypocalcemia 1 (HYPOC1). Also called: HYPOCALCEMIA, FAMILIAL. Identifiers: MedGen C3715128, MONDO:0011013, OMIM 601198.

Submission:

Labcorp Genetics (formerly Invitae), Labcorp
Classification: Pathogenic for Familial hypocalciuric hypercalcemia; Autosomal dominant hypocalcemia 1. Last evaluated: 2023-01-10. Review status: criteria provided, single submitter. Criteria: Invitae Variant Classification Sherloc (09022015). Collection method: clinical testing. Allele origin: germline.
Comment: For these reasons, this variant has been classified as Pathogenic. Studies have shown that disruption of this splice site alters mRNA splicing and is expected to lead to the loss of protein expression (PMID: 11668634). This variant has not been reported in the literature in individuals affected with CASR-related conditions. This variant is not present in population databases (gnomAD no frequency). This sequence change affects an acceptor splice site in intron 2 of the CASR gene. RNA analysis indicates that disruption of this splice site induces altered splicing and may result in an absent or disrupted protein product.

Literature cited by the submitters: PubMed 11668634.